The following is an entry in ClinVar:

ClinVar aggregate classification (germline): Uncertain significance (1 of 4 stars; one submission).

Conditions:
Pitt-Hopkins syndrome (PTHS). Also called: ENCEPHALOPATHY, SEVERE EPILEPTIC, WITH AUTONOMIC DYSFUNCTION; MENTAL RETARDATION, SYNDROMAL, WITH INTERMITTENT HYPERVENTILATION. Identifiers: Orphanet 2896, MedGen C1970431, MONDO:0012589, OMIM 610954.

Submission:

Labcorp Genetics (formerly Invitae), Labcorp
Classification: Uncertain significance for Pitt-Hopkins syndrome. Last evaluated: 2024-09-06. Review status: criteria provided, single submitter. Criteria: Invitae Variant Classification Sherloc (09022015). Collection method: clinical testing. Allele origin: germline.
Comment: This sequence change replaces serine, which is neutral and polar, with glycine, which is neutral and non-polar, at codon 66 of the TCF4 protein (p.Ser66Gly). This variant is not present in population databases (gnomAD no frequency). This variant has not been reported in the literature in individuals affected with TCF4-related conditions. ClinVar contains an entry for this variant (Variation ID: 1951189). Invitae Evidence Modeling of protein sequence and biophysical properties (such as structural, functional, and spatial information, amino acid conservation, physicochemical variation, residue mobility, and thermodynamic stability) indicates that this missense variant is not expected to disrupt TCF4 protein function with a negative predictive value of 95%. In summary, the available evidence is currently insufficient to determine the role of this variant in disease. Therefore, it has been classified as a Variant of Uncertain Significance.

NM_001083962.2(TCF4):c.196A>G (p.Ser66Gly)

Genes: TCF4 (transcription factor 4; minus strand), TCF4-AS1 (TCF4 antisense RNA 1; plus strand). Cytogenetic location: 18q21.2.
Variant type: single nucleotide variant.
Coding change: c.196A>G on transcript NM_001083962.2 (MANE Select); coding-DNA position 196, A replaced by G.
Protein change: p.Ser66Gly; replaces serine 66 with glycine.
Molecular consequence: missense variant.
Genome position (GRCh38, 1-based): chr18:55,464,087, T>C on the plus strand (A>G on the coding strand, the complement: TCF4 is on the minus strand). VCF-style: chr18-55464087-T-C. GRCh37 (hg19) VCF-style: chr18-53131318-T-C.
Other names: c.502A>G, p.Ser168Gly (NM_001243226.3); c.124A>G, p.Ser42Gly (NM_001243227.2, NM_001306207.1, NM_001348217.1 and 15 more transcripts); c.196A>G, p.Ser66Gly (NM_001243228.2, NM_001330604.3, NM_001369567.1 and 8 more transcripts); c.190A>G, p.Ser64Gly (NM_001243230.2); c.70A>G, p.Ser24Gly (NM_001243231.2, NM_001348211.2); short protein forms S64G, S168G, S24G, S42G, S66G.
Identifiers: ClinVar variation 1951189 (VCV001951189.5), dbSNP rs2095947647, ClinGen allele CA402703685.